The following is an entry in ClinVar:

ClinVar aggregate classification (germline): Benign/Likely benign. Review status: criteria provided, multiple submitters, no conflicts (2 of 4 stars). 2 submissions from 2 submitters: Benign (1); Likely benign (1). Last evaluated 2025-06-01.

Allele frequency attached by ClinVar (database versions not stated): 1000 Genomes Project 0.00140; 1000 Genomes Project 30x 0.00156; ExAC 0.00329; ESP Exome Variant Server 0.00384.
gnomAD v4.1: 7,843 of 1,612,764 alleles (0.49%); highest among the groups gnomAD compares: Non-Finnish European, 0.59%; 25 homozygotes.

Submissions (2):

CeGaT Center for Human Genetics Tuebingen
Classification: Likely benign. Last evaluated: 2025-06-01. Review status: criteria provided, single submitter. Criteria: CeGaT Center For Human Genetics Tuebingen Variant Classification Criteria Version 2. Collection method: clinical testing. Allele origin: germline. Affected: yes. Observed: 1 variant allele.
Comment: SLC22A23: BP4, BP7, BS2

Labcorp Genetics (formerly Invitae), Labcorp
Classification: Benign. Last evaluated: 2018-08-07. Review status: criteria provided, single submitter. Criteria: Invitae Variant Classification Sherloc (09022015). Collection method: clinical testing. Allele origin: germline.

NM_015482.2(SLC22A23):c.1737G>A (p.Ala579=)

Gene: SLC22A23 (solute carrier family 22 member 23; minus strand). Cytogenetic location: 6p25.2.
Variant type: single nucleotide variant.
Coding change: c.1737G>A on transcript NM_015482.2 (MANE Select); coding-DNA position 1737, G replaced by A.
Protein change: p.Ala579=; no amino-acid change (alanine 579 retained).
Molecular consequence: synonymous variant. On other transcripts: non-coding transcript variant (1).
Genome position (GRCh38, 1-based): chr6:3,273,379, C>T on the plus strand (G>A on the coding strand, the complement: SLC22A23 is on the minus strand). VCF-style: chr6-3273379-C-T. GRCh37 (hg19) VCF-style: chr6-3273613-C-T.
Other names: c.894G>A, p.Ala298= (NM_001286455.1, NM_021945.6); c.846G>A, p.Ala282= (NM_001382318.1).
Identifiers: ClinVar variation 790986 (VCV000790986.13), dbSNP rs141353043, ClinGen allele CA3619583.